The following is an entry in ClinVar:

ClinVar aggregate classification (germline): Uncertain significance (1 of 4 stars; one submission).

Conditions:
Hereditary cancer-predisposing syndrome. Also called: Tumor predisposition; Hereditary Cancer Syndrome; Hereditary neoplastic syndrome; Neoplastic Syndromes, Hereditary. Identifiers: Orphanet 140162, MedGen C0027672, MeSH D009386, MONDO:0015356.

Submission:

Ambry Genetics
Classification: Uncertain significance for Hereditary cancer-predisposing syndrome. Last evaluated: 2026-02-12. Review status: criteria provided, single submitter. Criteria: Ambry Variant Classification Scheme 2023. Collection method: clinical testing. Allele origin: germline.
Comment: The c.1500+4delA intronic variant, located in intron 12 of the MRE11A gene, results from a deletion of one nucleotide within intron 12 of the MRE11A gene. This nucleotide position is not well conserved in available vertebrate species. In silico splice site analysis for this alteration is inconclusive. Based on the available evidence, the clinical significance of this variant remains unclear.

NM_005591.4(MRE11):c.1500+4del

Gene: MRE11 (MRE11 double strand break repair nuclease; minus strand). Cytogenetic location: 11q21.
Variant type: Deletion.
Coding change: c.1500+4del on transcript NM_005591.4 (MANE Select); 4 bases into the intron after coding-DNA position 1500, one base deleted (A; older notation c.1500+4delA).
Molecular consequence: intron variant.
Genome position (GRCh38, 1-based): chr11:94,459,404, T deleted on the plus strand (A on the coding strand, the reverse complement: MRE11 is on the minus strand); the first of 2 consecutive T bases (chr11:94,459,404-94,459,405); deleting either gives the same sequence. VCF-style (leftmost placement, unchanged base first): chr11-94459403-CT-C. GRCh37 (hg19) VCF-style: chr11-94192569-CT-C.
Other names: c.1500+4del (NM_001330347.2, NM_005590.4).
Identifiers: ClinVar variation 1800157 (VCV001800157.3), dbSNP rs1565220178, ClinGen allele CA601193676.